The following is an entry in ClinVar:

ClinVar aggregate classification (germline): Uncertain significance. Review status: criteria provided, multiple submitters, no conflicts (2 of 4 stars). 2 submissions from 2 submitters: Uncertain significance (2). Last evaluated 2025-11-26.

Allele frequency attached by ClinVar (database versions not stated): gnomAD exomes 0.00001 and 0.00011; ExAC 0.00002; gnomAD 0.00004; TOPMed 0.00005.
gnomAD v4.1: 161 of 1,613,996 alleles (0.01%); highest among the groups gnomAD compares: Non-Finnish European, 0.013%; no homozygotes.

Submissions (2):

Ambry Genetics
Classification: Uncertain significance. Last evaluated: 2025-11-26. Review status: criteria provided, single submitter. Criteria: Ambry Variant Classification Scheme 2023. Collection method: clinical testing. Allele origin: germline.

Labcorp Genetics (formerly Invitae), Labcorp
Classification: Uncertain significance. Last evaluated: 2024-12-17. Review status: criteria provided, single submitter. Criteria: Invitae Variant Classification Sherloc (09022015). Collection method: clinical testing. Allele origin: germline.
Comment: This sequence change replaces serine, which is neutral and polar, with tyrosine, which is neutral and polar, at codon 522 of the LZTS1 protein (p.Ser522Tyr). This variant is present in population databases (rs767860859, gnomAD 0.004%). This variant has not been reported in the literature in individuals affected with LZTS1-related conditions. ClinVar contains an entry for this variant (Variation ID: 1439756). Invitae Evidence Modeling of protein sequence and biophysical properties (such as structural, functional, and spatial information, amino acid conservation, physicochemical variation, residue mobility, and thermodynamic stability) indicates that this missense variant is not expected to disrupt LZTS1 protein function with a negative predictive value of 80%. In summary, the available evidence is currently insufficient to determine the role of this variant in disease. Therefore, it has been classified as a Variant of Uncertain Significance.

NM_021020.5(LZTS1):c.1565C>A (p.Ser522Tyr)

Gene: LZTS1 (leucine zipper tumor suppressor 1; minus strand). Cytogenetic location: 8p21.3.
Variant type: single nucleotide variant.
Coding change: c.1565C>A on transcript NM_021020.5 (MANE Select); coding-DNA position 1565, C replaced by A.
Protein change: p.Ser522Tyr; replaces serine 522 with tyrosine.
Molecular consequence: missense variant.
Genome position (GRCh38, 1-based): chr8:20,249,948, G>T on the plus strand (C>A on the coding strand, the complement: LZTS1 is on the minus strand). VCF-style: chr8-20249948-G-T. GRCh37 (hg19) VCF-style: chr8-20107459-G-T.
Other names: c.1565C>A, p.Ser522Tyr (NM_001362884.2); c.1565C>A (NM_021020.2); short protein forms S522Y.
Identifiers: ClinVar variation 1439756 (VCV001439756.10), dbSNP rs767860859, ClinGen allele CA4657237.